The following is an entry in ClinVar:

ClinVar aggregate classification (germline): Pathogenic (1 of 4 stars; one submission).

Allele frequency attached by ClinVar (database versions not stated): gnomAD exomes below 0.00001; TOPMed below 0.00001.
gnomAD v4.1: 2 of 1,614,082 alleles (0.00012%); highest among the groups gnomAD compares: Non-Finnish European, 0.00017%; no homozygotes.

Submission:

Labcorp Genetics (formerly Invitae), Labcorp
Classification: Pathogenic. Last evaluated: 2022-12-31. Review status: criteria provided, single submitter. Criteria: Invitae Variant Classification Sherloc (09022015). Collection method: clinical testing. Allele origin: germline.
Comment: This variant is present in population databases (no rsID available, gnomAD 0.0009%). For these reasons, this variant has been classified as Pathogenic. This variant has not been reported in the literature in individuals affected with TPO-related conditions. This sequence change creates a premature translational stop signal (p.Gln509*) in the TPO gene. It is expected to result in an absent or disrupted protein product. Loss-of-function variants in TPO are known to be pathogenic (PMID: 11061528, 23236987, 25564141).

Literature cited by the submitters: PubMed 11061528; PubMed 23236987; PubMed 25564141.

NM_001206744.2(TPO):c.1525C>T (p.Gln509Ter)

Gene: TPO (thyroid peroxidase; plus strand). Cytogenetic location: 2p25.3.
Variant type: single nucleotide variant.
Coding change: c.1525C>T on transcript NM_001206744.2 (MANE Select); coding-DNA position 1525, C replaced by T.
Protein change: p.Gln509Ter; replaces glutamine 509 with a stop codon.
Molecular consequence: nonsense.
Genome position (GRCh38, 1-based): chr2:1,484,782, C>T. VCF-style: chr2-1484782-C-T. GRCh37 (hg19) VCF-style: chr2-1488554-C-T.
Other names: c.1525C>T, p.Gln509Ter (NM_000547.6, NM_001206745.2, NM_175719.4 and 1 more transcripts); c.1006C>T, p.Gln336Ter (NM_175722.3); short protein forms Q336*, Q509*.
Identifiers: ClinVar variation 2795477 (VCV002795477.3), dbSNP rs948273081, ClinGen allele CA41414199.